The following is an entry in ClinVar:

NM_006204.4(PDE6C):c.1450G>A (p.Asp484Asn)

Gene: PDE6C (phosphodiesterase 6C; plus strand). Cytogenetic location: 10q23.33.
Variant type: single nucleotide variant.
Coding change: c.1450G>A on transcript NM_006204.4 (MANE Select); coding-DNA position 1450, G replaced by A.
Protein change: p.Asp484Asn; replaces aspartic acid 484 with asparagine.
Molecular consequence: missense variant.
Genome position (GRCh38, 1-based): chr10:93,637,031, G>A. VCF-style: chr10-93637031-G-A. GRCh37 (hg19) VCF-style: chr10-95396788-G-A.
Other names: c.1450G>A (NM_006204.3); short protein forms D484N.
Identifiers: ClinVar variation 1470603 (VCV001470603.7), dbSNP rs764255562, ClinGen allele CA5610189.

ClinVar aggregate classification (germline): Uncertain significance. Review status: criteria provided, multiple submitters, no conflicts (2 of 4 stars). 2 submissions from 2 submitters: Uncertain significance (2). Last evaluated 2025-07-15.

Conditions:
Inborn genetic diseases. Identifiers: MedGen C0950123, MeSH D030342.

Allele frequency attached by ClinVar (database versions not stated): TOPMed 0.00001; gnomAD 0.00002; gnomAD exomes 0.00002; ExAC 0.00003.
gnomAD v4.1: 27 of 1,604,626 alleles (0.0017%); highest among the groups gnomAD compares: Admixed American, 0.0067%; no homozygotes.

Submissions (2):

Ambry Genetics
Classification: Uncertain significance for Inborn genetic diseases. Last evaluated: 2025-07-15. Review status: criteria provided, single submitter. Criteria: Ambry Variant Classification Scheme 2023. Collection method: clinical testing. Allele origin: germline.

Labcorp Genetics (formerly Invitae), Labcorp
Classification: Uncertain significance. Last evaluated: 2024-01-18. Review status: criteria provided, single submitter. Criteria: Invitae Variant Classification Sherloc (09022015). Collection method: clinical testing. Allele origin: germline.
Comment: This sequence change replaces aspartic acid, which is acidic and polar, with asparagine, which is neutral and polar, at codon 484 of the PDE6C protein (p.Asp484Asn). This variant is present in population databases (rs764255562, gnomAD 0.01%). This variant has not been reported in the literature in individuals affected with PDE6C-related conditions. ClinVar contains an entry for this variant (Variation ID: 1470603). An algorithm developed to predict the effect of missense changes on protein structure and function (PolyPhen-2) suggests that this variant is likely to be tolerated. In summary, the available evidence is currently insufficient to determine the role of this variant in disease. Therefore, it has been classified as a Variant of Uncertain Significance.